The following is an entry in ClinVar:

ClinVar aggregate classification (germline): Uncertain significance (1 of 4 stars; one submission).

Submission:

Labcorp Genetics (formerly Invitae), Labcorp
Classification: Uncertain significance. Last evaluated: 2024-01-04. Review status: criteria provided, single submitter. Criteria: Invitae Variant Classification Sherloc (09022015). Collection method: clinical testing. Allele origin: germline.
Comment: This sequence change replaces proline, which is neutral and non-polar, with serine, which is neutral and polar, at codon 1866 of the KMT2A protein (p.Pro1866Ser). This variant is not present in population databases (gnomAD no frequency). This variant has not been reported in the literature in individuals affected with KMT2A-related conditions. Advanced modeling of protein sequence and biophysical properties (such as structural, functional, and spatial information, amino acid conservation, physicochemical variation, residue mobility, and thermodynamic stability) has been performed at Invitae for this missense variant, however the output from this modeling did not meet the statistical confidence thresholds required to predict the impact of this variant on KMT2A protein function. In summary, the available evidence is currently insufficient to determine the role of this variant in disease. Therefore, it has been classified as a Variant of Uncertain Significance.

NM_001197104.2(KMT2A):c.5596C>T (p.Pro1866Ser)

Gene: KMT2A (lysine methyltransferase 2A; plus strand). Cytogenetic location: 11q23.3.
Variant type: single nucleotide variant.
Coding change: c.5596C>T on transcript NM_001197104.2 (MANE Select); coding-DNA position 5596, C replaced by T.
Protein change: p.Pro1866Ser; replaces proline 1866 with serine.
Molecular consequence: missense variant.
Genome position (GRCh38, 1-based): chr11:118,496,299, C>T. VCF-style: chr11-118496299-C-T. GRCh37 (hg19) VCF-style: chr11-118367014-C-T.
Other names: c.5686C>T, p.Pro1896Ser (NM_001412597.1); c.5587C>T, p.Pro1863Ser (NM_005933.4); short protein forms P1863S, P1896S, P1866S.
Identifiers: ClinVar variation 2707224 (VCV002707224.3), dbSNP rs2496947763, ClinGen allele CA382796947.